The following is an entry in ClinVar:

ClinVar aggregate classification (germline): Uncertain significance (1 of 4 stars; one submission).

Conditions:
Hereditary cancer-predisposing syndrome. Also called: Hereditary Cancer Syndrome; Tumor predisposition; Hereditary neoplastic syndrome; Neoplastic Syndromes, Hereditary. Identifiers: Orphanet 140162, MedGen C0027672, MeSH D009386, MONDO:0015356.

Submission:

Ambry Genetics
Classification: Uncertain significance for Hereditary cancer-predisposing syndrome. Last evaluated: 2024-08-26. Review status: criteria provided, single submitter. Criteria: Ambry Variant Classification Scheme 2023. Collection method: clinical testing. Allele origin: germline.
Comment: The p.S590C variant (also known as c.1769C>G), located in coding exon 14 of the MRE11A gene, results from a C to G substitution at nucleotide position 1769. The serine at codon 590 is replaced by cysteine, an amino acid with dissimilar properties. This amino acid position is conserved. In addition, the in silico prediction for this alteration is inconclusive. Based on the available evidence, the clinical significance of this variant remains unclear.

NM_005591.4(MRE11):c.1769C>G (p.Ser590Cys)

Gene: MRE11 (MRE11 double strand break repair nuclease; minus strand). Cytogenetic location: 11q21.
Variant type: single nucleotide variant.
Coding change: c.1769C>G on transcript NM_005591.4 (MANE Select); coding-DNA position 1769, C replaced by G.
Protein change: p.Ser590Cys; replaces serine 590 with cysteine.
Molecular consequence: missense variant.
Genome position (GRCh38, 1-based): chr11:94,447,233, G>C on the plus strand (C>G on the coding strand, the complement: MRE11 is on the minus strand). VCF-style: chr11-94447233-G-C. GRCh37 (hg19) VCF-style: chr11-94180399-G-C.
Other names: c.1769C>G, p.Ser590Cys (NM_001330347.2, NM_005590.4); short protein forms S590C.
Identifiers: ClinVar variation 3397853 (VCV003397853.1).